The following is an entry in ClinVar:

ClinVar aggregate classification (germline): Uncertain significance (1 of 4 stars; one submission).

Conditions:
Galactosylceramide beta-galactosidase deficiency. Also called: Leukodystrophy, Globoid Cell; GALACTOCEREBROSIDASE DEFICIENCY; GALC DEFICIENCY; GLOBOID CELL LEUKOENCEPHALOPATHY; Krabbe Disease. Identifiers: Orphanet 487, MedGen C0023521, MONDO:0009499, OMIM 245200.

gnomAD v4.1: 1 of 1,614,110 alleles (0.000062%); highest among the groups gnomAD compares: Non-Finnish European, 0.000085%; no homozygotes.

Submission:

Labcorp Genetics (formerly Invitae), Labcorp
Classification: Uncertain significance for Galactosylceramide beta-galactosidase deficiency. Last evaluated: 2025-02-27. Review status: criteria provided, single submitter. Criteria: Invitae Variant Classification Sherloc (09022015). Collection method: clinical testing. Allele origin: germline.
Comment: This sequence change replaces valine, which is neutral and non-polar, with isoleucine, which is neutral and non-polar, at codon 175 of the GALC protein (p.Val175Ile). This variant is not present in population databases (gnomAD no frequency). This variant has not been reported in the literature in individuals affected with GALC-related conditions. Invitae Evidence Modeling of protein sequence and biophysical properties (such as structural, functional, and spatial information, amino acid conservation, physicochemical variation, residue mobility, and thermodynamic stability) indicates that this missense variant is not expected to disrupt GALC protein function with a negative predictive value of 95%. In summary, the available evidence is currently insufficient to determine the role of this variant in disease. Therefore, it has been classified as a Variant of Uncertain Significance.

NM_000153.4(GALC):c.523G>A (p.Val175Ile)

Gene: GALC (galactosylceramidase; minus strand). Cytogenetic location: 14q31.3.
Variant type: single nucleotide variant.
Coding change: c.523G>A on transcript NM_000153.4 (MANE Select); coding-DNA position 523, G replaced by A.
Protein change: p.Val175Ile; replaces valine 175 with isoleucine.
Molecular consequence: missense variant. On other transcripts: 5 prime UTR variant (2), non-coding transcript variant (1).
Genome position (GRCh38, 1-based): chr14:87,984,453, C>T on the plus strand (G>A on the coding strand, the complement: GALC is on the minus strand). VCF-style: chr14-87984453-C-T. GRCh37 (hg19) VCF-style: chr14-88450797-C-T.
Other names: c.-145G>A (NM_001424076.1, NM_001424077.1); c.454G>A, p.Val152Ile (NM_001201401.2); c.445G>A, p.Val149Ile (NM_001201402.2); c.355G>A, p.Val119Ile (NM_001424071.1, NM_001424072.1, NM_001424073.1); c.175G>A, p.Val59Ile (NM_001424074.1, NM_001424075.1); short protein forms V175I, V119I, V59I, V149I, V152I.
Identifiers: ClinVar variation 4739719 (VCV004739719.1).